The following is an entry in ClinVar:

NM_000642.3(AGL):c.965delinsCA (p.Arg322fs)

Gene: AGL (amylo-alpha-1,6-glucosidase and 4-alpha-glucanotransferase; plus strand). Cytogenetic location: 1p21.2.
Variant type: Indel.
Coding change: c.965delinsCA on transcript NM_000642.3 (MANE Select); coding-DNA position 965, G replaced by CA.
Protein change: p.Arg322fs; shifts the reading frame from arginine 322.
Molecular consequence: frameshift variant.
Genome position (GRCh38, 1-based): chr1:99,874,693, G replaced by CA. VCF-style: chr1-99874693-G-CA. GRCh37 (hg19) VCF-style: chr1-100340249-G-CA.
Other names: c.965delinsCA, p.Arg322fs (NM_000028.3, NM_000643.3, NM_000644.3 and 3 more transcripts); c.917delinsCA, p.Arg306fs (NM_000646.3); c.761delinsCA, p.Arg254fs (NM_001425328.1, NM_001425329.1); c.587delinsCA, p.Arg196fs (NM_001425332.1); short protein forms R196fs, R254fs, R306fs, R322fs.
Identifiers: ClinVar variation 5013938 (VCV005013938.1).
Genomic context (GRCh38, chr1:99,874,693, plus strand): 5'-TATAATCTCTTTGTAGATATTTGCATTTAAGGTATCGTCTTTTCTTTCTTTTAGAAAATA[G>CA]GCGAGTAACCAAGTCTGATCCAAACCAACACCTTACGATTATTCAAGATCCTGAATACAG-3'

ClinVar aggregate classification (germline): Pathogenic (1 of 4 stars; one submission).

Conditions:
Glycogen storage disease type III (GSD3). Also called: FORBES DISEASE; Cori disease. Identifiers: Orphanet 366, MedGen C0017922, MONDO:0009291, OMIM 232400.

Submission:

Myriad Genetics, Inc.
Classification: Pathogenic for Glycogen storage disease type III. Last evaluated: 2025-01-09. Review status: criteria provided, single submitter. Criteria: Myriad Autosomal Dominant, Autosomal Recessive and X-Linked Classification Criteria (2023). Collection method: clinical testing. Allele origin: unknown.
Comment: NM_000642.2(AGL):c.965delGinsCA(R322Tfs*7) is expected to be pathogenic in the context of glycogen storage disease type III. This variant is predicted to lead to an abnormal or absent protein product due to the creation of a premature termination codon in AGL, a gene where loss-of-function variants are known to be pathogenic. Please note: this variant was assessed in the context of healthy population screening.